The following is an entry in ClinVar:

ClinVar aggregate classification (germline): Uncertain significance (1 of 4 stars; one submission).

Conditions:
Inborn genetic diseases. Identifiers: MedGen C0950123, MeSH D030342.

Allele frequency attached by ClinVar (database versions not stated): gnomAD exomes below 0.00001.
gnomAD v4.1: 4 of 1,536,572 alleles (0.00026%); highest among the groups gnomAD compares: Non-Finnish European, 0.00035%; no homozygotes.

Submission:

Ambry Genetics
Classification: Uncertain significance for Inborn genetic diseases. Last evaluated: 2021-10-30. Review status: criteria provided, single submitter. Criteria: Ambry Variant Classification Scheme 2023. Collection method: clinical testing. Allele origin: germline.
Comment: The p.A12V variant (also known as c.35C>T), located in coding exon 1 of the MDH2 gene, results from a C to T substitution at nucleotide position 35. The alanine at codon 12 is replaced by valine, an amino acid with similar properties. This amino acid position is conserved. In addition, this alteration is predicted to be tolerated by in silico analysis. Since supporting evidence is limited at this time, the clinical significance of this alteration remains unclear.

NM_005918.4(MDH2):c.35C>T (p.Ala12Val)

Gene: MDH2 (malate dehydrogenase 2; plus strand). Cytogenetic location: 7q11.23.
Variant type: single nucleotide variant.
Coding change: c.35C>T on transcript NM_005918.4 (MANE Select); coding-DNA position 35, C replaced by T.
Protein change: p.Ala12Val; replaces alanine 12 with valine.
Molecular consequence: missense variant. On other transcripts: 5 prime UTR variant (1), non-coding transcript variant (1).
Genome position (GRCh38, 1-based): chr7:76,048,195, C>T. VCF-style: chr7-76048195-C-T. GRCh37 (hg19) VCF-style: chr7-75677513-C-T.
Other names: c.35C>T, p.Ala12Val (NM_001282403.2); c.-118C>T (NM_001282404.2); short protein forms A12V.
Identifiers: ClinVar variation 1733071 (VCV001733071.2), dbSNP rs1554584472, ClinGen allele CA367760074.